The following is an entry in ClinVar:

ClinVar aggregate classification (germline): Pathogenic (1 of 4 stars; one submission).

Submission:

Labcorp Genetics (formerly Invitae), Labcorp
Classification: Pathogenic. Last evaluated: 2022-08-12. Review status: criteria provided, single submitter. Criteria: Invitae Variant Classification Sherloc (09022015). Collection method: clinical testing. Allele origin: germline.
Comment: This variant is a gross deletion of the genomic region encompassing exon(s) 17-22 of the EYS gene. This deletion is out-of-frame, and is expected to create a premature termination codon and result in an absent or disrupted protein product. Loss-of-function variants in EYS are known to be pathogenic (PMID: 18836446, 20333770). This variant has not been reported in the literature in individuals affected with EYS-related conditions. For these reasons, this variant has been classified as Pathogenic.

Literature cited by the submitters: PubMed 18836446; PubMed 20333770.

NC_000006.11:g.(?_65523251)_(65612413_?)del

Gene: EYS (eyes shut homolog; minus strand). Cytogenetic location: 6q12.
Variant type: Deletion.
Identifiers: ClinVar variation 2423870 (VCV002423870.3).